The following is an entry in ClinVar:

ClinVar aggregate classification (germline): Conflicting classifications of pathogenicity. Review status: criteria provided, conflicting classifications (1 of 4 stars). 2 submissions from 2 submitters: Uncertain significance (1); Likely benign (1). Last evaluated 2024-05-10.

gnomAD v4.1: 23 of 1,613,694 alleles (0.0014%); highest among the groups gnomAD compares: South Asian, 0.0088%; 1 homozygote.

Submissions (2):

Women's Health and Genetics/Laboratory Corporation of America, LabCorp
Classification: Uncertain significance. Last evaluated: 2024-05-10. Review status: criteria provided, single submitter. Criteria: LabCorp Variant Classification Summary - May 2015. Collection method: clinical testing. Allele origin: germline.
Comment: Variant summary: NEB c.8317C>T (p.Arg2773Trp) results in a non-conservative amino acid change in the encoded protein sequence. Four of five in-silico tools predict a damaging effect of the variant on protein function. The variant allele was found at a frequency of 3.2e-05 in 249014 control chromosomes in the gnomAD database, including 1 homozygotes. The available data on variant occurrences in the general population are insufficient to allow any conclusion about variant significance. To our knowledge, no occurrence of c.8317C>T in individuals affected with Nemaline Myopathy 2 and no experimental evidence demonstrating its impact on protein function have been reported. No submitters have cited clinical-significance assessments for this variant to ClinVar. Based on the evidence outlined above, the variant was classified as uncertain significance.

GeneDx
Classification: Likely benign. Last evaluated: 2019-02-12. Review status: criteria provided, single submitter. Criteria: GeneDx Variant Classification Process June 2021. Collection method: clinical testing. Allele origin: germline. Affected: yes.
Comment: See Variant Classification Assertion Criteria.

NM_001164508.2(NEB):c.8317C>T (p.Arg2773Trp)

Gene: NEB (nebulin; minus strand). Cytogenetic location: 2q23.3.
Variant type: single nucleotide variant.
Coding change: c.8317C>T on transcript NM_001164508.2 (MANE Select); coding-DNA position 8317, C replaced by T.
Protein change: p.Arg2773Trp; replaces arginine 2773 with tryptophan.
Molecular consequence: missense variant.
Genome position (GRCh38, 1-based): chr2:151,642,630, G>A on the plus strand (C>T on the coding strand, the complement: NEB is on the minus strand). VCF-style: chr2-151642630-G-A. GRCh37 (hg19) VCF-style: chr2-152499144-G-A.
Other names: c.8317C>T, p.Arg2773Trp (NM_001164507.2, NM_001271208.2, NM_004543.5); short protein forms R2773W.
Identifiers: ClinVar variation 3336043 (VCV003336043.2).